The following is an entry in ClinVar:

NM_012470.4(TNPO3):c.1004A>G (p.Gln335Arg)

Gene: TNPO3 (transportin 3; minus strand). Cytogenetic location: 7q32.1.
Variant type: single nucleotide variant.
Coding change: c.1004A>G on transcript NM_012470.4 (MANE Select); coding-DNA position 1004, A replaced by G.
Protein change: p.Gln335Arg; replaces glutamine 335 with arginine.
Molecular consequence: missense variant. On other transcripts: non-coding transcript variant (18).
Genome position (GRCh38, 1-based): chr7:129,000,436, T>C on the plus strand (A>G on the coding strand, the complement: TNPO3 is on the minus strand). VCF-style: chr7-129000436-T-C. GRCh37 (hg19) VCF-style: chr7-128640490-T-C.
Other names: c.1004A>G, p.Gln335Arg (NM_001191028.3, NM_001382216.1, NM_001382218.1 and 4 more transcripts); c.1085A>G, p.Gln362Arg (NM_001382217.1); c.860A>G, p.Gln287Arg (NM_001382221.1); short protein forms Q287R, Q335R, Q362R.
Identifiers: ClinVar variation 1696972 (VCV001696972.2), dbSNP rs2150377279, ClinGen allele CA369237786.
Genomic context (GRCh38, chr7:129,000,436, plus strand): 5'-ATATGCAGCACACAACTTGGAGAATAATGGCCTTTGAATAGCATAAACACTACCTCATAT[T>C]GAGGATGGCCTGCACAGATAAGCAGCAGCTCCAGAGTTCGAAGGTCCCCAAGACCTTGGC-3'
Protein context (NP_036602.1, residues 325-345): ELLLICAGHP[Gln335Arg]YEVVEISFNF

ClinVar aggregate classification (germline): Uncertain significance (1 of 4 stars; one submission).

Submission:

GeneDx
Classification: Uncertain significance. Last evaluated: 2022-12-02. Review status: criteria provided, single submitter. Criteria: GeneDx Variant Classification Process June 2021. Collection method: clinical testing. Allele origin: germline. Affected: yes.
Comment: Not observed at significant frequency in large population cohorts (gnomAD); In silico analysis supports that this missense variant does not alter protein structure/function; Has not been previously published as pathogenic or benign to our knowledge